The following is an entry in ClinVar:

NM_001330691.3(CEP78):c.449T>C (p.Leu150Ser)

Gene: CEP78 (centrosomal protein 78; plus strand). Cytogenetic location: 9q21.2.
Variant type: single nucleotide variant.
Coding change: c.449T>C on transcript NM_001330691.3 (MANE Select); coding-DNA position 449, T replaced by C.
Protein change: p.Leu150Ser; replaces leucine 150 with serine.
Molecular consequence: missense variant.
Genome position (GRCh38, 1-based): chr9:78,240,314, T>C. VCF-style: chr9-78240314-T-C. GRCh37 (hg19) VCF-style: chr9-80855230-T-C.
Other names: CEP78, LEU150SER (rs761661253); c.449T>C, p.Leu150Ser (NM_001330694.2, NM_001349838.2, NM_001349839.2 and 4 more transcripts); short protein forms L150S.
Identifiers: ClinVar variation 1171014 (VCV001171014.12), dbSNP rs761661253, ClinGen allele CA5094918.

ClinVar aggregate classification (germline): Pathogenic/Likely pathogenic. Review status: criteria provided, multiple submitters, no conflicts (2 of 4 stars). 7 submissions from 7 submitters: Pathogenic (2); Likely pathogenic (4). 1 of the submissions does not count toward it. Last evaluated 2026-07-17.

Conditions:
CEP78-related disorder. Also called: CEP78-related condition.
Retinal dystrophy. Also called: Inherited retinal dystrophy. Identifiers: Orphanet 71862, MedGen C0854723, MeSH D058499, MONDO:0019118, HP:0000556.
Cone-rod dystrophy and hearing loss 1 (CRDHL1). Identifiers: MedGen C5193018, MONDO:0020778, OMIM 617236.

Allele frequency attached by ClinVar (database versions not stated): gnomAD 0.00001; TOPMed 0.00002; gnomAD exomes 0.00005; ExAC 0.00010.
gnomAD v4.1: 36 of 1,598,938 alleles (0.0023%); highest among the groups gnomAD compares: Admixed American, 0.0052%; no homozygotes.

Submissions (7):

PreventionGenetics, part of Exact Sciences
Classification: Likely pathogenic for CEP78-related condition. Last evaluated: 2026-07-17. Review status: criteria provided, single submitter. Criteria: ACMG Guidelines, 2015. Collection method: clinical testing. Allele origin: germline.
Comment: The CEP78 c.449T>C variant is predicted to result in the amino acid substitution p.Leu150Ser. This variant has been reported in the homozygous and compound heterozygous states in three separate kindreds with cone-rod dystrophy and sensorineural hearing loss (Ascari et al. 2020. PubMed ID: 31999394). This variant has been reported in additional cohort studies of retinal disease (Table S1, Karali et al. 2022. PubMed ID: 36460718; Table S1, Weisschuh et al. 2024. PubMed ID: 37734845). This variant is reported in 0.013% of alleles in individuals of Latino descent in gnomAD. Functional studies of this variant revealed that this variant reduces CEP78 expression (Ascari et al. 2020. PubMed ID: 31999394). This variant is interpreted as likely pathogenic.

MVZ Medizinische Genetik Mainz
Classification: Likely pathogenic for Cone-rod dystrophy and hearing loss 1. Last evaluated: 2026-05-06. Review status: criteria provided, single submitter. Criteria: UK Practice Guidelines For Variant Classification V4 01 2020. Collection method: clinical testing. Allele origin: germline. Inheritance: Autosomal recessive inheritance. Affected: yes. Observed: 1 variant allele.
Comment: ACMG Criteria: PM3_STR,PP3_MOD,PS3_SUP,PM2_SUP

Labcorp Genetics (formerly Invitae), Labcorp
Classification: Pathogenic. Last evaluated: 2025-11-08. Review status: criteria provided, single submitter. Criteria: Invitae Variant Classification Sherloc (09022015). Collection method: clinical testing. Allele origin: germline.
Comment: This sequence change replaces leucine, which is neutral and non-polar, with serine, which is neutral and polar, at codon 150 of the CEP78 protein (p.Leu150Ser). This variant is present in population databases (rs761661253, gnomAD 0.01%). This missense change has been observed in individual(s) with cone-rod dystrophy with deafness (PMID: 31999394). In at least one individual the data is consistent with being in trans (on the opposite chromosome) from a pathogenic variant. It has also been observed to segregate with disease in related individuals. ClinVar contains an entry for this variant (Variation ID: 1171014). Invitae Evidence Modeling of protein sequence and biophysical properties (such as structural, functional, and spatial information, amino acid conservation, physicochemical variation, residue mobility, and thermodynamic stability) indicates that this missense variant is expected to disrupt CEP78 protein function with a positive predictive value of 80%. Experimental studies have shown that this missense change affects CEP78 function (PMID: 31999394, 34259627). For these reasons, this variant has been classified as Pathogenic.

Blueprint Genetics
Classification: Pathogenic for CEP78-related disorders. Last evaluated: 2021-10-22. Review status: criteria provided, single submitter. Criteria: ACMG Guidelines, 2015. Collection method: clinical testing. Allele origin: germline. Affected: yes. Observed: 3 variant alleles.

Institute of Medical Genetics and Applied Genomics, University Hospital Tübingen
Classification: Likely pathogenic. Last evaluated: 2021-06-17. Review status: criteria provided, single submitter. Criteria: ACMG Guidelines, 2015. Collection method: clinical testing. Allele origin: germline. Inheritance: Autosomal recessive inheritance. Affected: yes.

Institute of Human Genetics, Univ. Regensburg, Univ. Regensburg
Classification: Likely pathogenic for Retinal dystrophy. Last evaluated: 2020-01-01. Review status: criteria provided, single submitter. Criteria: ACMG Guidelines, 2015. Collection method: clinical testing. Allele origin: germline. Affected: yes.

OMIM
Classification: Pathogenic for CONE-ROD DYSTROPHY AND HEARING LOSS 1. Last evaluated: 2021-06-14. Review status: no assertion criteria provided. Collection method: literature only. Allele origin: germline. Not counted in ClinVar's aggregate classification.

Literature cited by the submitters: PubMed 31999394 (cited by 3 submitters); PubMed 34259627 (cited by Labcorp Genetics (formerly Invitae), Labcorp); PubMed 36460718 (cited by Institute of Human Genetics, Univ. Regensburg, Univ. Regensburg).